The following is an entry in ClinVar:

ClinVar aggregate classification (germline): Conflicting classifications of pathogenicity. Review status: criteria provided, conflicting classifications (1 of 4 stars). 4 submissions from 4 submitters: Uncertain significance (3); Likely benign (1). Last evaluated 2025-11-03.

Conditions:
Hereditary cancer-predisposing syndrome. Also called: Tumor predisposition; Hereditary Cancer Syndrome; Hereditary neoplastic syndrome; Neoplastic Syndromes, Hereditary. Identifiers: Orphanet 140162, MedGen C0027672, MeSH D009386, MONDO:0015356.
Familial cancer of breast. Also called: hereditary breast carcinoma; BREAST CANCER, FAMILIAL; Hereditary breast cancer. Identifiers: Orphanet 227535, MedGen C0346153, MONDO:0016419, OMIM 114480. Disease mechanism: loss of function.

Allele frequency attached by ClinVar (database versions not stated): gnomAD 0.00001.
gnomAD v4.1: 12 of 1,612,478 alleles (0.00074%); highest among the groups gnomAD compares: African/African-American, 0.0013%; no homozygotes.

Submissions (4):

Labcorp Genetics (formerly Invitae), Labcorp
Classification: Uncertain significance for Familial cancer of breast. Last evaluated: 2025-11-03. Review status: criteria provided, single submitter. Criteria: Invitae Variant Classification Sherloc (09022015). Collection method: clinical testing. Allele origin: germline.
Comment: This sequence change replaces threonine, which is neutral and polar, with isoleucine, which is neutral and non-polar, at codon 124 of the PALB2 protein (p.Thr124Ile). This variant is not present in population databases (gnomAD no frequency). This missense change has been observed in individual(s) with breast cancer (PMID: 17200668). ClinVar contains an entry for this variant (Variation ID: 487020). An algorithm developed to predict the effect of missense changes on protein structure and function outputs the following: PolyPhen-2: "Benign". The isoleucine amino acid residue is found in multiple mammalian species, which suggests that this missense change does not adversely affect protein function. Experimental studies have shown that this missense change does not substantially affect PALB2 function (PMID: 31586400). In summary, the available evidence is currently insufficient to determine the role of this variant in disease. Therefore, it has been classified as a Variant of Uncertain Significance.

Women's Health and Genetics/Laboratory Corporation of America, LabCorp
Classification: Uncertain significance. Last evaluated: 2024-05-28. Review status: criteria provided, single submitter. Criteria: LabCorp Variant Classification Summary - May 2015. Collection method: clinical testing. Allele origin: germline.
Comment: Variant summary: PALB2 c.371C>T (p.Thr124Ile) results in a non-conservative amino acid change in the encoded protein sequence. Four of five in-silico tools predict a benign effect of the variant on protein function. The variant was absent in 250376 control chromosomes. The available data on variant occurrences in the general population are insufficient to allow any conclusion about variant significance. c.371C>T has been reported in the literature in at least one individual affected with personal or family history of breast cancer (e.g. Rahman_2007). This report does not provide unequivocal conclusions about association of the variant with Breast Cancer. At least one publication reports experimental evidence evaluating an impact on protein function in a mammalian two-hybrid assay showing mildly reduced (75% of WT) BRCA1 binding activity in vitro (e.g. Rodrigue_2019). The following publications have been ascertained in the context of this evaluation (PMID: 17200668, 31586400). ClinVar contains an entry for this variant (Variation ID: 487020). Based on the evidence outlined above, the variant was classified as uncertain significance.

GeneDx
Classification: Uncertain significance. Last evaluated: 2022-12-19. Review status: criteria provided, single submitter. Criteria: GeneDx Variant Classification Process June 2021. Collection method: clinical testing. Allele origin: germline. Affected: yes.
Comment: Not observed at significant frequency in large population cohorts (gnomAD); In silico analysis supports that this missense variant does not alter protein structure/function; Has not been previously published as pathogenic or benign to our knowledge; This variant is associated with the following publications: (PMID: 19369211, 20871615)

Ambry Genetics
Classification: Likely benign for Hereditary cancer-predisposing syndrome. Last evaluated: 2020-03-17. Review status: criteria provided, single submitter. Criteria: Ambry Variant Classification Scheme 2023. Collection method: clinical testing. Allele origin: germline.

Literature cited by the submitters: PubMed 17200668 (cited by Labcorp Genetics (formerly Invitae), Labcorp and Women's Health and Genetics/Laboratory Corporation of America, LabCorp); PubMed 31586400 (cited by Labcorp Genetics (formerly Invitae), Labcorp and Women's Health and Genetics/Laboratory Corporation of America, LabCorp).

NM_024675.4(PALB2):c.371C>T (p.Thr124Ile)

Gene: PALB2 (partner and localizer of BRCA2; minus strand). Cytogenetic location: 16p12.2.
Variant type: single nucleotide variant.
Coding change: c.371C>T on transcript NM_024675.4 (MANE Select); coding-DNA position 371, C replaced by T.
Protein change: p.Thr124Ile; replaces threonine 124 with isoleucine.
Molecular consequence: missense variant.
Genome position (GRCh38, 1-based): chr16:23,636,175, G>A on the plus strand (C>T on the coding strand, the complement: PALB2 is on the minus strand). VCF-style: chr16-23636175-G-A. GRCh37 (hg19) VCF-style: chr16-23647496-G-A.
Other names: short protein forms T124I.
Identifiers: ClinVar variation 487020 (VCV000487020.17), dbSNP rs45457297, ClinGen allele CA279500159.